The following is an entry in ClinVar:

ClinVar aggregate classification (germline): Uncertain significance. Review status: criteria provided, multiple submitters, no conflicts (2 of 4 stars). 2 submissions from 2 submitters: Uncertain significance (2). Last evaluated 2025-09-29.

Allele frequency attached by ClinVar (database versions not stated): TOPMed 0.00002; gnomAD 0.00003; gnomAD exomes 0.00005; ExAC 0.00007.

Submissions (2):

Labcorp Genetics (formerly Invitae), Labcorp
Classification: Uncertain significance. Last evaluated: 2025-09-29. Review status: criteria provided, single submitter. Criteria: Invitae Variant Classification Sherloc (09022015). Collection method: clinical testing. Allele origin: germline.
Comment: This sequence change replaces arginine, which is basic and polar, with cysteine, which is neutral and slightly polar, at codon 615 of the CEP97 protein (p.Arg615Cys). This variant is present in population databases (rs778152851, gnomAD 0.01%). This variant has not been reported in the literature in individuals affected with CEP97-related conditions. ClinVar contains an entry for this variant (Variation ID: 2167575). Invitae Evidence Modeling of protein sequence and biophysical properties (such as structural, functional, and spatial information, amino acid conservation, physicochemical variation, residue mobility, and thermodynamic stability) indicates that this missense variant is not expected to disrupt CEP97 protein function with a negative predictive value of 80%. In summary, the available evidence is currently insufficient to determine the role of this variant in disease. Therefore, it has been classified as a Variant of Uncertain Significance.

Ambry Genetics
Classification: Uncertain significance. Last evaluated: 2024-11-10. Review status: criteria provided, single submitter. Criteria: Ambry Variant Classification Scheme 2023. Collection method: clinical testing. Allele origin: germline.

NM_024548.4(CEP97):c.1843C>T (p.Arg615Cys)

Gene: CEP97 (centrosomal protein 97; plus strand). Cytogenetic location: 3q12.3.
Variant type: single nucleotide variant.
Coding change: c.1843C>T on transcript NM_024548.4 (MANE Select); coding-DNA position 1843, C replaced by T.
Protein change: p.Arg615Cys; replaces arginine 615 with cysteine.
Molecular consequence: missense variant.
Genome position (GRCh38, 1-based): chr3:101,762,510, C>T. VCF-style: chr3-101762510-C-T. GRCh37 (hg19) VCF-style: chr3-101481354-C-T.
Other names: c.1666C>T, p.Arg556Cys (NM_001303401.2); c.1741C>T, p.Arg581Cys (NM_001410784.1); c.1564C>T, p.Arg522Cys (NM_001410785.1); c.1843C>T (NM_024548.2); short protein forms R615C, R522C, R556C, R581C.
Identifiers: ClinVar variation 2167575 (VCV002167575.6), dbSNP rs778152851, ClinGen allele CA2522214.